The following is an entry in ClinVar:

NM_005476.7(GNE):c.485G>A (p.Arg162His)

Gene: GNE (glucosamine (UDP-N-acetyl)-2-epimerase/N-acetylmannosamine kinase; minus strand). Cytogenetic location: 9p13.3.
Variant type: single nucleotide variant.
Coding change: c.485G>A on transcript NM_005476.7 (MANE Select); coding-DNA position 485, G replaced by A.
Protein change: p.Arg162His; replaces arginine 162 with histidine.
Molecular consequence: missense variant.
Genome position (GRCh38, 1-based): chr9:36,246,162, C>T on the plus strand (G>A on the coding strand, the complement: GNE is on the minus strand). VCF-style: chr9-36246162-C-T. GRCh37 (hg19) VCF-style: chr9-36246159-C-T.
Other names: c.578G>A, p.Arg193His (NM_001128227.3); c.485G>A, p.Arg162His (NM_001190383.3, NM_001374797.1); c.308G>A, p.Arg103His (NM_001190384.3, NM_001190388.2, NM_001374798.1); short protein forms R103H, R162H, R193H.
Identifiers: ClinVar variation 1473998 (VCV001473998.11), dbSNP rs747640708, ClinGen allele CA5056721.

ClinVar aggregate classification (germline): Uncertain significance. Review status: criteria provided, multiple submitters, no conflicts (2 of 4 stars). 5 submissions from 5 submitters: Uncertain significance (5). Last evaluated 2024-12-11.

Conditions:
Inborn genetic diseases. Identifiers: MedGen C0950123, MeSH D030342.
GNE myopathy (NM). Also called: NONAKA DISTAL MYOPATHY; INCLUSION BODY MYOPATHY, HEREDITARY, AUTOSOMAL RECESSIVE; INCLUSION BODY MYOPATHY 2, AUTOSOMAL RECESSIVE; MYOPATHY, DISTAL, WITH OR WITHOUT RIMMED VACUOLES; IBM 2; Inclusion body myopathy autosomal recessive. Identifiers: Orphanet 602, MedGen C1853926, MONDO:0011603, OMIM 605820.
Sialuria. Also called: Sialic Acid Storage Disease; SIALURIA, FRENCH TYPE. Identifiers: Orphanet 3166, MedGen C0342853, MONDO:0010028, OMIM 269921.

Allele frequency attached by ClinVar (database versions not stated): TOPMed below 0.00001; gnomAD 0.00001 and 0.00002; ExAC 0.00002; gnomAD exomes 0.00002.
gnomAD v4.1: 36 of 1,613,498 alleles (0.0022%); highest among the groups gnomAD compares: East Asian, 0.0067%; no homozygotes.

Submissions (5):

Ambry Genetics
Classification: Uncertain significance for Inborn genetic diseases. Last evaluated: 2024-12-11. Review status: criteria provided, single submitter. Criteria: Ambry Variant Classification Scheme 2023. Collection method: clinical testing. Allele origin: germline.

Labcorp Genetics (formerly Invitae), Labcorp
Classification: Uncertain significance for Sialuria; GNE myopathy. Last evaluated: 2022-10-17. Review status: criteria provided, single submitter. Criteria: Invitae Variant Classification Sherloc (09022015). Collection method: clinical testing. Allele origin: germline.
Comment: This sequence change replaces arginine, which is basic and polar, with histidine, which is basic and polar, at codon 193 of the GNE protein (p.Arg193His). This variant is present in population databases (rs747640708, gnomAD 0.007%). This variant has not been reported in the literature in individuals affected with GNE-related conditions. ClinVar contains an entry for this variant (Variation ID: 1473998). Algorithms developed to predict the effect of missense changes on protein structure and function (SIFT, PolyPhen-2, Align-GVGD) all suggest that this variant is likely to be disruptive. This variant disrupts the p.Arg193 amino acid residue in GNE. Other variant(s) that disrupt this residue have been determined to be pathogenic (PMID: 12811782, 24005727, 28099567). This suggests that this residue is clinically significant, and that variants that disrupt this residue are likely to be disease-causing. In summary, the available evidence is currently insufficient to determine the role of this variant in disease. Therefore, it has been classified as a Variant of Uncertain Significance.

GeneDx
Classification: Uncertain significance. Last evaluated: 2022-05-24. Review status: criteria provided, single submitter. Criteria: GeneDx Variant Classification Process June 2021. Collection method: clinical testing. Allele origin: germline. Affected: yes.
Comment: Missense variants in this gene are often considered pathogenic (HGMD); In silico analysis supports that this missense variant does not alter protein structure/function; Has not been previously published as pathogenic or benign to our knowledge; This variant is associated with the following publications: (PMID: 24796702)

Fulgent Genetics
Classification: Uncertain significance for Sialuria; GNE myopathy. Last evaluated: 2021-07-09. Review status: criteria provided, single submitter. Criteria: ACMG Guidelines, 2015. Collection method: clinical testing. Allele origin: unknown.

Revvity Omics, Revvity
Classification: Uncertain significance. Last evaluated: 2020-01-31. Review status: criteria provided, single submitter. Criteria: ACMG Guidelines, 2015. Collection method: clinical testing. Allele origin: germline.

Literature cited by the submitters: PubMed 12811782 (cited by Labcorp Genetics (formerly Invitae), Labcorp); PubMed 24005727 (cited by Labcorp Genetics (formerly Invitae), Labcorp); PubMed 28099567 (cited by Labcorp Genetics (formerly Invitae), Labcorp).